The following is an entry in ClinVar:

ClinVar aggregate classification (germline): Uncertain significance (1 of 4 stars; one submission).

Conditions:
RASopathy. Also called: Noonan spectrum disorder; rasopathies. Identifiers: Orphanet 536391, MedGen C5555857, MONDO:0021060.

Submission:

Labcorp Genetics (formerly Invitae), Labcorp
Classification: Uncertain significance for RASopathy. Last evaluated: 2023-08-19. Review status: criteria provided, single submitter. Criteria: Invitae Variant Classification Sherloc (09022015). Collection method: clinical testing. Allele origin: germline.
Comment: In summary, the available evidence is currently insufficient to determine the role of this variant in disease. Therefore, it has been classified as a Variant of Uncertain Significance. Advanced modeling of protein sequence and biophysical properties (such as structural, functional, and spatial information, amino acid conservation, physicochemical variation, residue mobility, and thermodynamic stability) performed at Invitae indicates that this missense variant is not expected to disrupt BRAF protein function. This variant has not been reported in the literature in individuals affected with BRAF-related conditions. This variant is not present in population databases (gnomAD no frequency). This sequence change replaces alanine, which is neutral and non-polar, with aspartic acid, which is acidic and polar, at codon 35 of the BRAF protein (p.Ala35Asp).

NM_004333.6(BRAF):c.104C>A (p.Ala35Asp)

Gene: BRAF (B-Raf proto-oncogene, serine/threonine kinase; minus strand). Cytogenetic location: 7q34.
Variant type: single nucleotide variant.
Coding change: c.104C>A on transcript NM_004333.6 (MANE Select); coding-DNA position 104, C replaced by A.
Protein change: p.Ala35Asp; replaces alanine 35 with aspartic acid.
Molecular consequence: missense variant.
Genome position (GRCh38, 1-based): chr7:140,924,600, G>T on the plus strand (C>A on the coding strand, the complement: BRAF is on the minus strand). VCF-style: chr7-140924600-G-T. GRCh37 (hg19) VCF-style: chr7-140624400-G-T.
Other names: c.104C>A, p.Ala35Asp (NM_001354609.2, NM_001374244.1, NM_001374258.1 and 7 more transcripts); short protein forms A35D.
Identifiers: ClinVar variation 2868292 (VCV002868292.3), dbSNP rs1818660008, ClinGen allele CA369590093.
Genomic context (GRCh38, chr7:140,924,600, plus strand): 5'-GGCGGCAGGGTGGCGCCAGCACTCACCTCCTCCGGAATGGCAGGGTCCGCAGCCGAAGAG[G>T]CCGCGGCGCCGGCGCCGGCGCCGGCCTCGGGCTCCATGTCCCCGTTGAACAGAGCCTGGC-3'
Protein context (NP_004324.2, residues 25-45): PEAGAGAGAA[Ala35Asp]SSAADPAIPE